The following is an entry in ClinVar:

ClinVar aggregate classification (germline): Uncertain significance. Review status: criteria provided, multiple submitters, no conflicts (2 of 4 stars). 3 submissions from 3 submitters: Uncertain significance (3). Last evaluated 2026-01-06.

Conditions:
Inborn genetic diseases. Identifiers: MedGen C0950123, MeSH D030342.

Allele frequency attached by ClinVar (database versions not stated): TOPMed 0.00014; gnomAD exomes below 0.00001; gnomAD 0.00005.
gnomAD v4.1: 14 of 1,614,050 alleles (0.00087%); highest among the groups gnomAD compares: Admixed American, 0.02%; no homozygotes.

Submissions (3):

Women's Health and Genetics/Laboratory Corporation of America, LabCorp
Classification: Uncertain significance. Last evaluated: 2026-01-06. Review status: criteria provided, single submitter. Criteria: LabCorp Variant Classification Summary - May 2015. Collection method: clinical testing. Allele origin: germline.
Comment: Variant summary: ALPK1 c.2240T>C (p.Ile747Thr) results in a non-conservative amino acid change in the encoded protein sequence. Algorithms developed to predict the effect of missense changes on protein structure and function are either unavailable or do not agree on the potential impact of this missense change. The variant allele was found at a frequency of 4e-06 in 251002 control chromosomes. The available data on variant occurrences in the general population are insufficient to allow any conclusion about variant significance. To our knowledge, no occurrence of c.2240T>C in individuals affected with ALPK1-related conditions and no experimental evidence demonstrating its impact on protein function have been reported. ClinVar contains an entry for this variant (Variation ID: 2898449). Based on the evidence outlined above, the variant was classified as uncertain significance.

Labcorp Genetics (formerly Invitae), Labcorp
Classification: Uncertain significance. Last evaluated: 2025-11-03. Review status: criteria provided, single submitter. Criteria: Invitae Variant Classification Sherloc (09022015). Collection method: clinical testing. Allele origin: germline.
Comment: This sequence change replaces isoleucine, which is neutral and non-polar, with threonine, which is neutral and polar, at codon 747 of the ALPK1 protein (p.Ile747Thr). This variant is not present in population databases (gnomAD no frequency). This variant has not been reported in the literature in individuals affected with ALPK1-related conditions. ClinVar contains an entry for this variant (Variation ID: 2898449). Invitae Evidence Modeling of protein sequence and biophysical properties (such as structural, functional, and spatial information, amino acid conservation, physicochemical variation, residue mobility, and thermodynamic stability) indicates that this missense variant is not expected to disrupt ALPK1 protein function with a negative predictive value of 80%. In summary, the available evidence is currently insufficient to determine the role of this variant in disease. Therefore, it has been classified as a Variant of Uncertain Significance.

Ambry Genetics
Classification: Uncertain significance for Inborn genetic diseases. Last evaluated: 2024-11-26. Review status: criteria provided, single submitter. Criteria: Ambry Variant Classification Scheme 2023. Collection method: clinical testing. Allele origin: germline.

NM_025144.4(ALPK1):c.2240T>C (p.Ile747Thr)

Gene: ALPK1 (alpha kinase 1; plus strand). Cytogenetic location: 4q25.
Variant type: single nucleotide variant.
Coding change: c.2240T>C on transcript NM_025144.4 (MANE Select); coding-DNA position 2240, T replaced by C.
Protein change: p.Ile747Thr; replaces isoleucine 747 with threonine.
Molecular consequence: missense variant.
Genome position (GRCh38, 1-based): chr4:112,431,787, T>C. VCF-style: chr4-112431787-T-C. GRCh37 (hg19) VCF-style: chr4-113352943-T-C.
Other names: c.2240T>C (NM_025144.3); c.2240T>C, p.Ile747Thr (NM_001102406.2); c.2006T>C, p.Ile669Thr (NM_001253884.2); short protein forms I669T, I747T.
Identifiers: ClinVar variation 2898449 (VCV002898449.5), dbSNP rs1050050030, ClinGen allele CA103763671.